The following is an entry in ClinVar:

NM_003482.4(KMT2D):c.14546G>A (p.Ser4849Asn)

Gene: KMT2D (lysine methyltransferase 2D; minus strand). Cytogenetic location: 12q13.12.
Variant type: single nucleotide variant.
Coding change: c.14546G>A on transcript NM_003482.4 (MANE Select); coding-DNA position 14546, G replaced by A.
Protein change: p.Ser4849Asn; replaces serine 4849 with asparagine.
Molecular consequence: missense variant.
Genome position (GRCh38, 1-based): chr12:49,027,900, C>T on the plus strand (G>A on the coding strand, the complement: KMT2D is on the minus strand). VCF-style: chr12-49027900-C-T. GRCh37 (hg19) VCF-style: chr12-49421683-C-T.
Other names: short protein forms S4849N.
Identifiers: ClinVar variation 2157142 (VCV002157142.4), dbSNP rs1334504361, ClinGen allele CA384694512.

ClinVar aggregate classification (germline): Uncertain significance. Review status: criteria provided, multiple submitters, no conflicts (2 of 4 stars). 3 submissions from 3 submitters: Uncertain significance (3). Last evaluated 2024-12-08.

Conditions:
Inborn genetic diseases. Identifiers: MedGen C0950123, MeSH D030342.
Kabuki syndrome 1 (KABUK1). Also called: KMT2D-Related Kabuki Syndrome. Identifiers: Orphanet 2322, MedGen CN030661, MONDO:0007843, OMIM 147920.
Choanal atresia-athelia-hypothyroidism-delayed puberty-short stature syndrome (BCAHH). Also called: BRANCHIAL ARCH ABNORMALITIES, CHOANAL ATRESIA, ATHELIA, HEARING LOSS, AND HYPOTHYROIDISM SYNDROME. Identifiers: Orphanet 589856, MedGen C5680310, MONDO:0035651, OMIM 620186.
Kabuki syndrome. Also called: NIIKAWA-KUROKI SYNDROME; Kabuki make-up syndrome. Identifiers: Orphanet 2322, MedGen C0796004, MONDO:0016512.

Allele frequency attached by ClinVar (database versions not stated): gnomAD 0.00001; TOPMed 0.00001.
gnomAD v4.1: 25 of 1,613,676 alleles (0.0015%); highest among the groups gnomAD compares: Non-Finnish European, 0.0019%; no homozygotes.

Submissions (3):

Labcorp Genetics (formerly Invitae), Labcorp
Classification: Uncertain significance for Kabuki syndrome. Last evaluated: 2024-12-08. Review status: criteria provided, single submitter. Criteria: Invitae Variant Classification Sherloc (09022015). Collection method: clinical testing. Allele origin: germline.
Comment: This sequence change replaces serine, which is neutral and polar, with asparagine, which is neutral and polar, at codon 4849 of the KMT2D protein (p.Ser4849Asn). This variant is not present in population databases (gnomAD no frequency). This variant has not been reported in the literature in individuals affected with KMT2D-related conditions. ClinVar contains an entry for this variant (Variation ID: 2157142). Invitae Evidence Modeling of protein sequence and biophysical properties (such as structural, functional, and spatial information, amino acid conservation, physicochemical variation, residue mobility, and thermodynamic stability) indicates that this missense variant is not expected to disrupt KMT2D protein function with a negative predictive value of 95%. In summary, the available evidence is currently insufficient to determine the role of this variant in disease. Therefore, it has been classified as a Variant of Uncertain Significance.

Fulgent Genetics
Classification: Uncertain significance for Kabuki syndrome 1; Choanal atresia-athelia-hypothyroidism-delayed puberty-short stature syndrome. Last evaluated: 2024-04-10. Review status: criteria provided, single submitter. Criteria: ACMG Guidelines, 2015. Collection method: clinical testing. Allele origin: germline.

Ambry Genetics
Classification: Uncertain significance for Inborn genetic diseases. Last evaluated: 2021-09-21. Review status: criteria provided, single submitter. Criteria: Ambry Variant Classification Scheme 2023. Collection method: clinical testing. Allele origin: germline.